The following is an entry in ClinVar:

NC_000022.10:g.(?_35776672)_(42486826_?)dup

Genes: MCM5 (minichromosome maintenance complex component 5; plus strand), BAIAP2L2 (BAR/IMD domain containing adaptor protein 2 like 2; minus strand), ENTHD1 (ENTH domain containing 1; minus strand), POLR3H (RNA polymerase III subunit H; minus strand), MRTFA (myocardin related transcription factor A; minus strand) and 129 more. Cytogenetic location: 22q12.3-13.2.
Variant type: Duplication.
Identifiers: ClinVar variation 2422150 (VCV002422150.5).

ClinVar aggregate classification (germline): Uncertain significance (1 of 4 stars; one submission).

Conditions:
Adenylosuccinate lyase deficiency (ADSLD). Also called: ADSL DEFICIENCY. Identifiers: Orphanet 46, MedGen C0268126, MONDO:0007068, OMIM 103050.

Submission:

Labcorp Genetics (formerly Invitae), Labcorp
Classification: Uncertain significance for Adenylosuccinate lyase deficiency. Last evaluated: 2022-02-20. Review status: criteria provided, single submitter. Criteria: Invitae Variant Classification Sherloc (09022015). Collection method: clinical testing. Allele origin: germline.
Comment: In summary, the available evidence is currently insufficient to determine the role of this variant in disease. Therefore, it has been classified as a Variant of Uncertain Significance. This variant has not been reported in the literature in individuals affected with ADSL-related conditions. A copy number gain of the genomic region encompassing the full coding sequence of the ADSL gene has been identified. The boundaries of this event are unknown as they extend beyond the assayed region for this gene and therefore may encompass additional genes. As the precise location of this event is unknown, it may be in tandem or it may be located elsewhere in the genome.